The following is an entry in ClinVar:

NM_031433.4(MFRP):c.191G>A (p.Arg64His)

Genes: C1QTNF5 (C1q and TNF related 5; minus strand), MFRP (membrane frizzled-related protein; minus strand). Cytogenetic location: 11q23.3.
Variant type: single nucleotide variant.
Coding change: c.191G>A on transcript NM_031433.4 (MANE Select); coding-DNA position 191, G replaced by A.
Protein change: p.Arg64His; replaces arginine 64 with histidine.
Molecular consequence: missense variant. On other transcripts: 5 prime UTR variant (1).
Genome position (GRCh38, 1-based): chr11:119,346,126, C>T on the plus strand (G>A on the coding strand, the complement: MFRP is on the minus strand). VCF-style: chr11-119346126-C-T. GRCh37 (hg19) VCF-style: chr11-119216836-C-T.
Other names: c.-2446G>A (NM_015645.5); short protein forms R64H.
Identifiers: ClinVar variation 302978 (VCV000302978.17), dbSNP rs149376662, ClinGen allele CA6320667.
Genomic context (GRCh38, chr11:119,346,126, plus strand): 5'-AGCAGCCCAAGCAGCAGGAGGAGCAGGCTGGAGAGCAGGAGGACACAGAGCCAGGAGAAG[C>T]GGCAGTCTGGCCGTAGCCCTCGAGGACGCCGACCTGCGGGTTGGCAGGTGGGGTTTTGAA-3'
Protein context (NP_113621.1, residues 54-74): RRPRGLRPDC[Arg64His]FSWLCVLLLS

ClinVar aggregate classification (germline): Likely benign. Review status: criteria provided, single submitter (1 of 4 stars). 2 submissions from 2 submitters: Likely benign (1). 1 of the submissions does not count toward it. Last evaluated 2026-01-19.

Conditions:
MFRP-related disorder. Also called: MFRP-related condition; MFRP-related disorders.
Isolated microphthalmia 5. Also called: Posterior Microphthalmia with Retinitis Pigmentosa, Foveoschisis, and Optic Disc Drusen. Identifiers: Orphanet 251279, MedGen C1970236, MONDO:0012605, OMIM 611040.

Allele frequency attached by ClinVar (database versions not stated): ESP Exome Variant Server 0.00077; gnomAD 0.00104 and 0.00106; 1000 Genomes Project 30x 0.00031; 1000 Genomes Project 0.00040; TOPMed 0.00097; gnomAD exomes 0.00151; ExAC 0.00182.
gnomAD v4.1: 1,568 of 1,603,600 alleles (0.098%); highest among the groups gnomAD compares: East Asian, 0.5%; 15 homozygotes.

Submissions (2):

Labcorp Genetics (formerly Invitae), Labcorp
Classification: Likely benign for Isolated microphthalmia 5. Last evaluated: 2026-01-19. Review status: criteria provided, single submitter. Criteria: Invitae Variant Classification Sherloc (09022015). Collection method: clinical testing. Allele origin: germline.

PreventionGenetics, part of Exact Sciences
Classification: Likely benign for MFRP-related condition. Last evaluated: 2024-09-18. Review status: no assertion criteria provided. Collection method: clinical testing. Allele origin: germline. Not counted in ClinVar's aggregate classification.
Comment: This variant is classified as likely benign based on ACMG/AMP sequence variant interpretation guidelines (Richards et al. 2015 PMID: 25741868, with internal and published modifications).